The following is an entry in ClinVar:

NM_000213.5(ITGB4):c.1377+15C>T

Gene: ITGB4 (integrin subunit beta 4; plus strand). Cytogenetic location: 17q25.1.
Variant type: single nucleotide variant.
Coding change: c.1377+15C>T on transcript NM_000213.5 (MANE Select); 15 bases into the intron after coding-DNA position 1377, C replaced by T.
Molecular consequence: intron variant.
Genome position (GRCh38, 1-based): chr17:75,731,988, C>T. VCF-style: chr17-75731988-C-T. GRCh37 (hg19) VCF-style: chr17-73728069-C-T.
Other names: c.1377+15C>T (NM_001005619.2, NM_001005731.3, NM_001438834.1 and 1 more transcripts).
Identifiers: ClinVar variation 325139 (VCV000325139.13), dbSNP rs78048168, ClinGen allele CA8768983.

ClinVar aggregate classification (germline): Benign. Review status: criteria provided, multiple submitters, no conflicts (2 of 4 stars). 3 submissions from 3 submitters: Benign (3). Last evaluated 2026-01-31.

Conditions:
Junctional epidermolysis bullosa with pyloric atresia. Also called: ITGB4-Related Epidermolysis Bullosa with Pyloric Atresia; ITGA6-Related Epidermolysis Bullosa with Pyloric Atresia; EPIDERMOLYSIS BULLOSA, JUNCTIONAL 5B, WITH PYLORIC ATRESIA; APLASIA CUTIS CONGENITA WITH GASTROINTESTINAL ATRESIA; CARMI SYNDROME; EB-PA-ACC. Identifiers: Orphanet 79403, MedGen C5676875, MONDO:0009183, OMIM 226730.

Allele frequency attached by ClinVar (database versions not stated): gnomAD exomes 0.00110 and 0.00273; ExAC 0.00342; 1000 Genomes Project 0.00958; 1000 Genomes Project 30x 0.00999; gnomAD 0.01013 and 0.01106; ESP Exome Variant Server 0.01146; TOPMed 0.01165.
gnomAD v4.1: 3,216 of 1,613,908 alleles (0.2%); highest among the groups gnomAD compares: African/African-American, 3.5%; 45 homozygotes.

Submissions (3):

Labcorp Genetics (formerly Invitae), Labcorp
Classification: Benign. Last evaluated: 2026-01-31. Review status: criteria provided, single submitter. Criteria: Invitae Variant Classification Sherloc (09022015). Collection method: clinical testing. Allele origin: germline.

Illumina Laboratory Services, Illumina
Classification: Benign for Junctional epidermolysis bullosa with pyloric atresia. Last evaluated: 2018-01-12. Review status: criteria provided, single submitter. Criteria: ICSL Variant Classification Criteria 13 December 2019. Collection method: clinical testing. Allele origin: germline.
Comment: This variant was observed in the ICSL laboratory as part of a predisposition screen in an ostensibly healthy population. It had not been previously curated by ICSL or reported in the Human Gene Mutation Database (HGMD: prior to June 1st, 2018), and was therefore a candidate for classification through an automated scoring system. Utilizing variant allele frequency, disease prevalence and penetrance estimates, and inheritance mode, an automated score was calculated to assess if this variant is too frequent to cause the disease. Based on the score and internal cut-off values, a variant classified as benign is not then subjected to further curation. The score for this variant resulted in a classification of benign for this disease.

Breakthrough Genomics
Classification: Benign. Review status: criteria provided, single submitter. Criteria: ACMG Guidelines, 2015. Collection method: not provided. Allele origin: germline. Inheritance: Autosomal recessive inheritance. Affected: yes.